The following is an entry in ClinVar:

ClinVar aggregate classification (germline): Benign (0 of 4 stars; one submission).

Conditions:
EPPK1-related disorder. Also called: EPPK1-related condition.

Allele frequency attached by ClinVar (database versions not stated): gnomAD exomes 0.00041; ExAC 0.00147; 1000 Genomes Project 30x 0.00375; 1000 Genomes Project 0.00419; gnomAD 0.00513; ESP Exome Variant Server 0.00575; TOPMed 0.00576.

Submission:

PreventionGenetics, part of Exact Sciences
Classification: Benign for EPPK1-related condition. Last evaluated: 2021-05-14. Review status: no assertion criteria provided. Collection method: clinical testing. Allele origin: germline.
Comment: This variant is classified as benign based on ACMG/AMP sequence variant interpretation guidelines (Richards et al. 2015 PMID: 25741868, with internal and published modifications).

NM_031308.4(EPPK1):c.1478C>T (p.Thr493Met)

Gene: EPPK1 (epiplakin 1; minus strand). Cytogenetic location: 8q24.3.
Variant type: single nucleotide variant.
Coding change: c.1478C>T on transcript NM_031308.4 (MANE Select); coding-DNA position 1478, C replaced by T.
Protein change: p.Thr493Met; replaces threonine 493 with methionine.
Molecular consequence: missense variant.
Genome position (GRCh38, 1-based): chr8:143,871,776, G>A on the plus strand (C>T on the coding strand, the complement: EPPK1 is on the minus strand). VCF-style: chr8-143871776-G-A. GRCh37 (hg19) VCF-style: chr8-144945944-G-A.
Other names: short protein forms T493M.
Identifiers: ClinVar variation 3053521 (VCV003053521.2), dbSNP rs144598411, ClinGen allele CA4923347.